The following is an entry in ClinVar:

ClinVar aggregate classification (germline): Likely benign. Review status: criteria provided, multiple submitters, no conflicts (2 of 4 stars). 3 submissions from 3 submitters: Likely benign (3). Last evaluated 2026-04-07.

Conditions:
GSN-related disorder. Also called: GSN-related condition.

Allele frequency attached by ClinVar (database versions not stated): gnomAD 0.00003; gnomAD exomes 0.00003; TOPMed 0.00004; ExAC 0.00007; ESP Exome Variant Server 0.00008; 1000 Genomes Project 30x 0.00016; 1000 Genomes Project 0.00020.
gnomAD v4.1: 58 of 1,613,878 alleles (0.0036%); highest among the groups gnomAD compares: Middle Eastern, 0.033%; no homozygotes.

Submissions (3):

PreventionGenetics, part of Exact Sciences
Classification: Likely benign for GSN-related condition. Last evaluated: 2026-04-07. Review status: criteria provided, single submitter. Criteria: ACMG Guidelines, 2015. Collection method: clinical testing. Allele origin: germline.
Comment: This variant is classified as likely benign based on ACMG/AMP sequence variant interpretation guidelines (Richards et al. 2015 PMID: 25741868, with internal and published modifications).

CeGaT Center for Human Genetics Tuebingen
Classification: Likely benign. Last evaluated: 2023-09-01. Review status: criteria provided, single submitter. Criteria: CeGaT Center For Human Genetics Tuebingen Variant Classification Criteria Version 2. Collection method: clinical testing. Allele origin: germline. Affected: yes. Observed: 1 variant allele.
Comment: GSN: BP4, BP7

Labcorp Genetics (formerly Invitae), Labcorp
Classification: Likely benign. Last evaluated: 2023-07-25. Review status: criteria provided, single submitter. Criteria: Invitae Variant Classification Sherloc (09022015). Collection method: clinical testing. Allele origin: germline.

NM_198252.3(GSN):c.222C>T (p.Ser74=)

Gene: GSN (gelsolin; plus strand). Cytogenetic location: 9q33.2.
Variant type: single nucleotide variant.
Coding change: c.222C>T on transcript NM_198252.3 (MANE Select); coding-DNA position 222, C replaced by T.
Protein change: p.Ser74=; no amino-acid change (serine 74 retained).
Molecular consequence: synonymous variant. On other transcripts: 5 prime UTR variant (1).
Genome position (GRCh38, 1-based): chr9:121,302,936, C>T. VCF-style: chr9-121302936-C-T. GRCh37 (hg19) VCF-style: chr9-124065214-C-T.
Other names: c.375C>T, p.Ser125= (NM_000177.5); c.222C>T, p.Ser74= (NM_001127662.2, NM_001127664.2, NM_001127665.2 and 10 more transcripts); c.330C>T, p.Ser110= (NM_001127663.2); c.255C>T, p.Ser85= (NM_001127666.2, NM_001127667.2, NM_001353063.2 and 13 more transcripts); c.273C>T, p.Ser91= (NM_001258029.2); c.246C>T, p.Ser82= (NM_001258030.2); c.294C>T, p.Ser98= (NM_001353076.2); c.-433C>T (NM_001353078.2); and 1 more.
Identifiers: ClinVar variation 2192683 (VCV002192683.29), dbSNP rs376627635, ClinGen allele CA5220804.